The following is an entry in ClinVar:

ClinVar aggregate classification (germline): Conflicting classifications of pathogenicity. Review status: criteria provided, conflicting classifications (1 of 4 stars). 8 submissions from 7 submitters: Uncertain significance (2); Benign (2); Likely benign (4). Last evaluated 2026-01-26.

Conditions:
Retinitis pigmentosa (RP). Identifiers: Orphanet 791, MedGen C0035334, MeSH D012174, MONDO:0019200, OMIM 268000. Inheritance: Autosomal dominant, autosomal recessive and X linked inheritance.
Usher syndrome type 2A. Also called: USHER SYNDROME, TYPE IIA; RETINAL DISEASE IN USHER SYNDROME TYPE IIA, MODIFIER OF. Identifiers: Orphanet 231178, Orphanet 886, MedGen C1848634, MONDO:0010169, OMIM 276901.

Allele frequency attached by ClinVar (database versions not stated): gnomAD exomes 0.00022 and 0.00061; ExAC 0.00065; ESP Exome Variant Server 0.00231; 1000 Genomes Project 30x 0.00234; 1000 Genomes Project 0.00240; gnomAD 0.00250 and 0.00272; TOPMed 0.00259.
gnomAD v4.1: 711 of 1,614,050 alleles (0.044%); highest among the groups gnomAD compares: African/African-American, 0.82%; 3 homozygotes.

Submissions (8):

Labcorp Genetics (formerly Invitae), Labcorp
Classification: Likely benign. Last evaluated: 2026-01-26. Review status: criteria provided, single submitter. Criteria: Invitae Variant Classification Sherloc (09022015). Collection method: clinical testing. Allele origin: germline.

CeGaT Center for Human Genetics Tuebingen
Classification: Likely benign. Last evaluated: 2025-05-01. Review status: criteria provided, single submitter. Criteria: CeGaT Center For Human Genetics Tuebingen Variant Classification Criteria Version 2. Collection method: clinical testing. Allele origin: germline. Affected: yes. Observed: 1 variant allele.
Comment: USH2A: BP4

Blueprint Genetics
Classification: Likely benign. Last evaluated: 2024-07-24. Review status: criteria provided, single submitter. Criteria: ACMG Guidelines, 2015. Collection method: clinical testing. Allele origin: germline.

Illumina Laboratory Services, Illumina
Classification: Uncertain significance for Usher syndrome type 2A. Last evaluated: 2018-01-13. Review status: criteria provided, single submitter. Criteria: ICSL Variant Classification Criteria 13 December 2019. Collection method: clinical testing. Allele origin: germline.

Illumina Laboratory Services, Illumina
Classification: Uncertain significance for Retinitis pigmentosa. Last evaluated: 2018-01-13. Review status: criteria provided, single submitter. Criteria: ICSL Variant Classification Criteria 13 December 2019. Collection method: clinical testing. Allele origin: germline.

GeneDx
Classification: Likely benign. Last evaluated: 2017-12-14. Review status: criteria provided, single submitter. Criteria: GeneDx Variant Classification (06012015). Collection method: clinical testing. Allele origin: germline. Affected: yes.
Comment: This variant is considered likely benign or benign based on one or more of the following criteria: it is a conservative change, it occurs at a poorly conserved position in the protein, it is predicted to be benign by multiple in silico algorithms, and/or has population frequency not consistent with disease.

Eurofins Ntd Llc (ga)
Classification: Benign. Last evaluated: 2017-02-27. Review status: criteria provided, single submitter. Criteria: EGL Classification Definitions 2015. Collection method: clinical testing. Allele origin: germline. Observed: 1 variant allele, 1 heterozygote.

Laboratory for Molecular Medicine, Mass General Brigham Personalized Medicine
Classification: Benign. Last evaluated: 2012-05-07. Review status: criteria provided, single submitter. Criteria: LMM Criteria. Collection method: clinical testing. Allele origin: germline. Observed: 2 variant alleles.
Comment: Arg837Gln in Exon 13 of USH2A: This variant is not expected to have clinical sig nificance because it has been identified in 0.6% (24/3738) of African American c hromosomes from a broad population by the NHLBI Exome Sequencing Project (dbSNP rs148594393).

NM_206933.4(USH2A):c.2510G>A (p.Arg837Gln)

Genes: USH2A (usherin; minus strand), LOC122152296 (Sharpr-MPRA regulatory region 8762; plus strand). Cytogenetic location: 1q41.
Variant type: single nucleotide variant.
Coding change: c.2510G>A on transcript NM_206933.4 (MANE Select); coding-DNA position 2510, G replaced by A.
Protein change: p.Arg837Gln; replaces arginine 837 with glutamine.
Molecular consequence: missense variant.
Genome position (GRCh38, 1-based): chr1:216,246,884, C>T on the plus strand (G>A on the coding strand, the complement: USH2A is on the minus strand). VCF-style: chr1-216246884-C-T. GRCh37 (hg19) VCF-style: chr1-216420226-C-T.
Other names: c.2510G>A, p.Arg837Gln (NM_007123.6); short protein forms R837Q.
Identifiers: ClinVar variation 166517 (VCV000166517.33), dbSNP rs148594393, ClinGen allele CA179584.